The following is an entry in ClinVar:

NM_024642.5(GALNT12):c.167C>T (p.Pro56Leu)

Gene: GALNT12 (polypeptide N-acetylgalactosaminyltransferase 12; plus strand). Cytogenetic location: 9q22.33.
Variant type: single nucleotide variant.
Coding change: c.167C>T on transcript NM_024642.5 (MANE Select); coding-DNA position 167, C replaced by T.
Protein change: p.Pro56Leu; replaces proline 56 with leucine.
Molecular consequence: missense variant.
Genome position (GRCh38, 1-based): chr9:98,807,865, C>T. VCF-style: chr9-98807865-C-T. GRCh37 (hg19) VCF-style: chr9-101570147-C-T.
Other names: short protein forms P56L.
Identifiers: ClinVar variation 819807 (VCV000819807.15), dbSNP rs1588436209, ClinGen allele CA374222442.

ClinVar aggregate classification (germline): Uncertain significance. Review status: criteria provided, multiple submitters, no conflicts (2 of 4 stars). 2 submissions from 2 submitters: Uncertain significance (2). Last evaluated 2025-10-22.

gnomAD v4.1: 1 of 1,013,344 alleles (0.000099%); highest among the groups gnomAD compares: Non-Finnish European, 0.00012%; no homozygotes.

Submissions (2):

Ambry Genetics
Classification: Uncertain significance. Last evaluated: 2025-10-22. Review status: criteria provided, single submitter. Criteria: Ambry Variant Classification Scheme 2023. Collection method: clinical testing. Allele origin: germline.
Comment: The p.P56L variant (also known as c.167C>T), located in coding exon 1 of the GALNT12 gene, results from a C to T substitution at nucleotide position 167. The proline at codon 56 is replaced by leucine, an amino acid with similar properties. This amino acid position is well conserved on limited sequence alignment. In addition, this alteration is predicted to be tolerated by in silico analysis. Since supporting evidence is limited at this time, the clinical significance of this alteration remains unclear.

Labcorp Genetics (formerly Invitae), Labcorp
Classification: Uncertain significance. Last evaluated: 2022-11-16. Review status: criteria provided, single submitter. Criteria: Invitae Variant Classification Sherloc (09022015). Collection method: clinical testing. Allele origin: germline.
Comment: This sequence change replaces proline, which is neutral and non-polar, with leucine, which is neutral and non-polar, at codon 56 of the GALNT12 protein (p.Pro56Leu). The frequency data for this variant in the population databases is considered unreliable, as metrics indicate insufficient coverage at this position in the gnomAD database. This variant has not been reported in the literature in individuals affected with GALNT12-related conditions. ClinVar contains an entry for this variant (Variation ID: 819807). In summary, the available evidence is currently insufficient to determine the role of this variant in disease. Therefore, it has been classified as a Variant of Uncertain Significance. Algorithms developed to predict the effect of missense changes on protein structure and function are either unavailable or do not agree on the potential impact of this missense change (SIFT: "Tolerated"; PolyPhen-2: "Not Available"; Align-GVGD: "Class C0").